The following is an entry in ClinVar:

ClinVar aggregate classification (germline): Likely benign. Review status: criteria provided, multiple submitters, no conflicts (2 of 4 stars). 3 submissions from 3 submitters: Likely benign (3). Last evaluated 2025-12-01.

Allele frequency attached by ClinVar (database versions not stated): gnomAD 0.00043 and 0.00063; ExAC 0.00064; gnomAD exomes 0.00129.

Submissions (3):

CeGaT Center for Human Genetics Tuebingen
Classification: Likely benign. Last evaluated: 2025-12-01. Review status: criteria provided, single submitter. Criteria: CeGaT Center For Human Genetics Tuebingen Variant Classification Criteria Version 2. Collection method: clinical testing. Allele origin: germline. Affected: yes. Observed: 42 variant alleles.
Comment: FMN2: BP4, BP7

Blueprint Genetics
Classification: Likely benign. Last evaluated: 2024-11-20. Review status: criteria provided, single submitter. Criteria: ACMG Guidelines, 2015. Collection method: clinical testing. Allele origin: germline.

Breakthrough Genomics
Classification: Likely benign. Review status: criteria provided, single submitter. Criteria: ACMG Guidelines, 2015. Collection method: not provided. Allele origin: germline. Inheritance: Autosomal recessive inheritance. Affected: yes.

NM_020066.5(FMN2):c.3171T>A (p.Pro1057=)

Gene: FMN2 (formin 2; plus strand). Cytogenetic location: 1q43.
Variant type: single nucleotide variant.
Coding change: c.3171T>A on transcript NM_020066.5 (MANE Select); coding-DNA position 3171, T replaced by A.
Protein change: p.Pro1057=; no amino-acid change (proline 1057 retained).
Molecular consequence: synonymous variant. On other transcripts: intron variant (1).
Genome position (GRCh38, 1-based): chr1:240,207,983, T>A. VCF-style: chr1-240207983-T-A. GRCh37 (hg19) VCF-style: chr1-240371283-T-A.
Other names: c.3183T>A, p.Pro1061= (NM_001305424.2); c.1986+19721T>A (NM_001348094.2).
Identifiers: ClinVar variation 1335022 (VCV001335022.36), dbSNP rs201761863, ClinGen allele CA1477017.
Genomic context (GRCh38, chr1:240,207,983, plus strand): 5'-CGGAGCGGGCATACCCCCTCCGCCCCCACTTCCCGGAGCGGGCATACCCCCTCCTCCCCC[T>A]CTTCCCGGAGCGGGCATACCTCCTCCACCCCCTCTACCCGGAGCGGGCATACCCCCTCCG-3'
Protein context (NP_064450.3, residues 1047-1067): LPGAGIPPPP[Pro1057=]LPGAGIPPPP